The following is an entry in ClinVar:

ClinVar aggregate classification (germline): Benign/Likely benign. Review status: criteria provided, multiple submitters, no conflicts (2 of 4 stars). 16 submissions from 15 submitters: Benign (7); Likely benign (7). 2 of the submissions do not count toward it. Last evaluated 2026-02-04.

Conditions:
Connective tissue disorder. Also called: Connective tissue disease. Identifiers: MedGen C0009782, MONDO:0003900.
Ehlers-Danlos syndrome (EDS). Identifiers: Orphanet 98249, MedGen C0013720, MONDO:0020066.
Congenital contractural arachnodactyly (CCA). Also called: BEALS SYNDROME; Beals-Hecht syndrome; Arthrogryposis, distal, type 9. Identifiers: Orphanet 115, MedGen C0220668, MONDO:0007363, OMIM 121050.

Allele frequency attached by ClinVar (database versions not stated): TOPMed 0.00145; gnomAD 0.00146 and 0.00152; ExAC 0.00167; gnomAD exomes 0.00168 and 0.00178; ESP Exome Variant Server 0.00169.
gnomAD v4.1: 2,846 of 1,613,750 alleles (0.18%); highest among the groups gnomAD compares: Non-Finnish European, 0.19%; 3 homozygotes.

Submissions (19):

Labcorp Genetics (formerly Invitae), Labcorp
Classification: Benign for Congenital contractural arachnodactyly. Last evaluated: 2026-02-04. Review status: criteria provided, single submitter. Criteria: Invitae Variant Classification Sherloc (09022015). Collection method: clinical testing. Allele origin: germline.

CeGaT Center for Human Genetics Tuebingen
Classification: Likely benign. Last evaluated: 2024-12-01. Review status: criteria provided, single submitter. Criteria: CeGaT Center For Human Genetics Tuebingen Variant Classification Criteria Version 2. Collection method: clinical testing. Allele origin: germline. Affected: yes. Observed: 5 variant alleles.
Comment: FBN2: BP4, BS1

Blueprint Genetics
Classification: Likely benign. Last evaluated: 2024-11-25. Review status: criteria provided, single submitter. Criteria: ACMG Guidelines, 2015. Collection method: clinical testing. Allele origin: germline.

ARUP Laboratories, Molecular Genetics and Genomics, ARUP Laboratories
Classification: Benign. Last evaluated: 2024-11-15. Review status: criteria provided, single submitter. Criteria: ARUP Molecular Germline Variant Investigation Process 2024. Collection method: clinical testing. Allele origin: germline.

Women's Health and Genetics/Laboratory Corporation of America, LabCorp
Classification: Benign. Last evaluated: 2024-05-13. Review status: criteria provided, single submitter. Criteria: LabCorp Variant Classification Summary - May 2015. Collection method: clinical testing. Allele origin: germline.

Genome Diagnostics Laboratory, The Hospital for Sick Children
Classification: Benign for Ehlers-Danlos syndrome. Last evaluated: 2020-02-01. Review status: criteria provided, single submitter. Criteria: ACMG Guidelines, 2015. Collection method: clinical testing. Allele origin: germline.

Genome Diagnostics Laboratory, The Hospital for Sick Children
Classification: Benign for Connective tissue disorder. Last evaluated: 2020-02-01. Review status: criteria provided, single submitter. Criteria: ACMG Guidelines, 2015. Collection method: clinical testing. Allele origin: germline.

Illumina Laboratory Services, Illumina
Classification: Benign for Congenital contractural arachnodactyly. Last evaluated: 2018-01-12. Review status: criteria provided, single submitter. Criteria: ICSL Variant Classification Criteria 13 December 2019. Collection method: clinical testing. Allele origin: germline.
Comment: This variant was observed in the ICSL laboratory as part of a predisposition screen in an ostensibly healthy population. It had not been previously curated by ICSL or reported in the Human Gene Mutation Database (HGMD: prior to June 1st, 2018), and was therefore a candidate for classification through an automated scoring system. Utilizing variant allele frequency, disease prevalence and penetrance estimates, and inheritance mode, an automated score was calculated to assess if this variant is too frequent to cause the disease. Based on the score and internal cut-off values, a variant classified as benign is not then subjected to further curation. The score for this variant resulted in a classification of benign for this disease.

Center for Human Genetics, Inc
Classification: Likely benign for Connective tissue disorder. Last evaluated: 2016-11-01. Review status: criteria provided, single submitter. Criteria: ACMG Guidelines, 2015. Collection method: clinical testing. Allele origin: germline. Affected: yes.

Clinical Genetics DNA and cytogenetics Diagnostics Lab, Erasmus MC, Erasmus Medical Center
Classification: Likely benign for Congenital contractural arachnodactyly. Last evaluated: 2016-10-11. Review status: criteria provided, single submitter. Criteria: ACGS Guidelines, 2013. Collection method: clinical testing. Allele origin: germline. Affected: yes. Study: VKGL Data-share Consensus.

Genome Diagnostics Laboratory, University Medical Center Utrecht
Classification: Likely benign for Congenital contractural arachnodactyly. Last evaluated: 2016-03-09. Review status: criteria provided, single submitter. Criteria: ACGS Guidelines, 2013. Collection method: clinical testing. Allele origin: germline. Affected: yes. Study: VKGL Data-share Consensus.

Eurofins Ntd Llc (ga)
Classification: Likely benign. Last evaluated: 2016-02-08. Review status: criteria provided, single submitter. Criteria: EGL Classification Definitions 2015. Collection method: clinical testing. Allele origin: germline. Observed: 1 variant allele, 1 heterozygote.

GeneDx
Classification: Benign. Last evaluated: 2013-07-22. Review status: criteria provided, single submitter. Criteria: GeneDx Variant Classification (06012015). Collection method: clinical testing. Allele origin: germline. Affected: yes.
Comment: This variant is considered likely benign or benign based on one or more of the following criteria: it is a conservative change, it occurs at a poorly conserved position in the protein, it is predicted to be benign by multiple in silico algorithms, and/or has population frequency not consistent with disease.

PreventionGenetics, part of Exact Sciences
Classification: Likely benign. Review status: criteria provided, single submitter. Criteria: ACMG Guidelines, 2015. Collection method: clinical testing. Allele origin: germline.

Genome Diagnostics Laboratory, Amsterdam University Medical Center
Classification: Likely benign for Congenital contractural arachnodactyly. Last evaluated: 2015-03-20. Review status: no assertion criteria provided. Criteria: ACGS Guidelines, 2013. Collection method: clinical testing. Allele origin: germline. Affected: yes. Study: VKGL Data-share Consensus. Not counted in ClinVar's aggregate classification.

Dr. Peter K. Rogan Lab, Western University
No classification provided (evidence only). Condition: Uterine corpus endometrial carcinoma. Review status: no classification provided. Collection method: in vitro. Allele origin: not applicable. Functional consequence: retained intron. Not counted in ClinVar's aggregate classification.

Dr. Peter K. Rogan Lab, Western University
No classification provided (evidence only). Condition: Sarcoma. Review status: no classification provided. Collection method: in vitro. Allele origin: not applicable. Functional consequence: retained intron. Not counted in ClinVar's aggregate classification.

Dr. Peter K. Rogan Lab, Western University
No classification provided (evidence only). Condition: Sarcoma. Review status: no classification provided. Collection method: in vitro. Allele origin: not applicable. Functional consequence: skipped exon. Not counted in ClinVar's aggregate classification.

Laboratory of Diagnostic Genome Analysis, Leiden University Medical Center (LUMC)
Classification: Likely benign. Review status: no assertion criteria provided. Collection method: clinical testing. Allele origin: germline. Affected: yes. Study: VKGL Data-share Consensus. Not counted in ClinVar's aggregate classification.

NM_001999.4(FBN2):c.953-8T>G

Gene: FBN2 (fibrillin 2; minus strand). Cytogenetic location: 5q23.3.
Variant type: single nucleotide variant.
Coding change: c.953-8T>G on transcript NM_001999.4 (MANE Select); 8 bases into the intron before coding-DNA position 953, T replaced by G.
Molecular consequence: intron variant.
Genome position (GRCh38, 1-based): chr5:128,408,807, A>C on the plus strand (T>G on the coding strand, the complement: FBN2 is on the minus strand). VCF-style: chr5-128408807-A-C. GRCh37 (hg19) VCF-style: chr5-127744500-A-C.
Identifiers: ClinVar variation 137315 (VCV000137315.60), dbSNP rs201818403, ClinGen allele CA290857.
Genomic context (GRCh38, chr5:128,408,807, plus strand): 5'-GGAACATTCACCAGTTTCACATATCCCAGGAATGATGCTGCACTCATCAATGTCTAATCA[A>C]GGGAAGAAGGAGAAGATGATTGAGAAAGGCCTTCATTAAATAGCTTTTAAAAGAGATTTT-3'